The following continues an entry in ClinVar:

NM_015340.4(LARS2):c.1565C>A (p.Thr522Asn)

ClinVar aggregate classification (germline): Pathogenic/Likely pathogenic. Pathogenic (13); Likely pathogenic (3).

Submissions 13 to 21 of 21:

Revvity Omics, Revvity
Classification: Likely pathogenic. Last evaluated: 2020-03-26. Review status: criteria provided, single submitter. Criteria: ACMG Guidelines, 2015. Collection method: clinical testing. Allele origin: germline.

Center of Genomic medicine, Geneva, University Hospital of Geneva
Classification: Pathogenic for Perrault syndrome. Last evaluated: 2018-08-06. Review status: criteria provided, single submitter. Criteria: ACMG Guidelines, 2015. Collection method: clinical testing. Allele origin: maternal. Affected: yes. Observed: 2 variant alleles.

Laboratory for Molecular Medicine, Mass General Brigham Personalized Medicine
Classification: Pathogenic for Rare genetic deafness. Last evaluated: 2017-01-02. Review status: criteria provided, single submitter. Criteria: LMM Criteria. Collection method: clinical testing. Allele origin: germline. Inheritance: Autosomal recessive inheritance. Observed: 1 variant allele.
Comment: The p.Thr522Asn variant in LARS2 has been reported in 3 individuals with Perraul t syndrome (Pierce 2013, Demain 2016). In two probands, the variant was homozygo us and segregated in three affected siblings, and the third proband was compound heterozygous for another missense variant, and both variants segregated in an a ffected sibling (Pierce 2013, Demain 2016). In vitro functional studies provide some evidence that the p.Thr522Asn variant may reduce the normal activity of the protein (Pierce 2013, Riley 2016). In addition, computational prediction tools and conservation analysis suggest a deleterious impact to the protein due to the p.Thr522Asn variant. This variant has been identified in several populations by the Genome Aggregation Database, including 48/126826 European chromosomes (gnom AD; dbSNP rs199589947). However, its frequenc y is low enough to be consistent with a recessive carrier frequency. In summary, the p.Thr522Asn variant is pathogenic for autosomal recessive Perrault syndrome .

Precision Medicine Center, Zhengzhou University
Classification: Pathogenic for Perrault syndrome 4. Review status: criteria provided, single submitter. Criteria: ACMG Guidelines, 2015. Collection method: research. Allele origin: germline. Affected: yes.
Comment: This variant has been functionally studied, and has been found in multiple patients.

Reproductive Development, Murdoch Childrens Research Institute
Classification: Pathogenic for Perrault syndrome 4. Last evaluated: 2022-02-27. Review status: no assertion criteria provided. Criteria: ACMG Guidelines, 2015. Collection method: research. Allele origin: maternal. Inheritance: Autosomal recessive inheritance. Affected: yes. Not counted in ClinVar's aggregate classification.

Mayo Clinic Laboratories, Mayo Clinic
Classification: Likely pathogenic. Last evaluated: 2016-03-14. Review status: no assertion criteria provided. Collection method: clinical testing. Allele origin: unknown. Not counted in ClinVar's aggregate classification.

OMIM
Classification: Pathogenic for PERRAULT SYNDROME 4. Last evaluated: 2013-04-04. Review status: no assertion criteria provided. Collection method: literature only. Allele origin: germline. Not counted in ClinVar's aggregate classification.

OMIM
Classification: Pathogenic for HYDROPS, LACTIC ACIDOSIS, AND SIDEROBLASTIC ANEMIA. Last evaluated: 2013-04-04. Review status: no assertion criteria provided. Collection method: literature only. Allele origin: germline. Not counted in ClinVar's aggregate classification.

GeneReviews
No classification provided. Condition: Perrault syndrome. Review status: no classification provided. Collection method: literature only. Allele origin: germline. Not counted in ClinVar's aggregate classification.

Literature cited by the submitters: PubMed 23541342 (cited by 8 submitters); PubMed 26970254 (cited by 6 submitters); PubMed 28832386 (cited by Labcorp Genetics (formerly Invitae), Labcorp and Ambry Genetics); PubMed 26537577 (cited by 6 submitters).